The following is an entry in ClinVar:

ClinVar aggregate classification (germline): Uncertain significance (1 of 4 stars; one submission).

Submission:

Ambry Genetics
Classification: Uncertain significance. Last evaluated: 2023-12-14. Review status: criteria provided, single submitter. Criteria: Ambry Variant Classification Scheme 2023. Collection method: clinical testing. Allele origin: germline.
Comment: The p.H266R variant (also known as c.797A>G), located in coding exon 1 of the PALLD gene, results from an A to G substitution at nucleotide position 797. The histidine at codon 266 is replaced by arginine, an amino acid with highly similar properties. This amino acid position is conserved. In addition, this alteration is predicted to be tolerated by in silico analysis. Since supporting evidence is limited at this time, the clinical significance of this alteration remains unclear.

NM_001166108.2(PALLD):c.797A>G (p.His266Arg)

Gene: PALLD (palladin, cytoskeletal associated protein; plus strand). Cytogenetic location: 4q32.3.
Variant type: single nucleotide variant.
Coding change: c.797A>G on transcript NM_001166108.2 (MANE Select); coding-DNA position 797, A replaced by G.
Protein change: p.His266Arg; replaces histidine 266 with arginine.
Molecular consequence: missense variant.
Genome position (GRCh38, 1-based): chr4:168,512,301, A>G. VCF-style: chr4-168512301-A-G. GRCh37 (hg19) VCF-style: chr4-169433452-A-G.
Other names: c.797A>G, p.His266Arg (NM_016081.4); short protein forms H266R.
Identifiers: ClinVar variation 3226839 (VCV003226839.1), dbSNP rs2531436994, ClinGen allele CA358728397.
Genomic context (GRCh38, chr4:168,512,301, plus strand): 5'-ACCAGGACTTGGCAGTGCCACACAACCGCAAGTCTCACCCACAGCCCCACAGCGCCCTCC[A>G]CTTCCCAGCTGCACCTCGATTCATCCAAAAGCTGAGGAGCCAAGAAGTAGCAGAAGGGAG-3'
Protein context (NP_001159580.1, residues 256-276): KSHPQPHSAL[His266Arg]FPAAPRFIQK